The following is an entry in ClinVar:

NM_000061.3(BTK):c.389del (p.Asn130fs)

Gene: BTK (Bruton tyrosine kinase; minus strand). Cytogenetic location: Xq22.1.
Variant type: Deletion.
Coding change: c.389del on transcript NM_000061.3 (MANE Select); coding-DNA position 389, one base deleted (A; older notation c.389delA).
Protein change: p.Asn130fs; shifts the reading frame from asparagine 130.
Molecular consequence: frameshift variant.
Genome position (GRCh38, 1-based): chrX:101,370,000, T deleted on the plus strand (A on the coding strand, the reverse complement: BTK is on the minus strand); the first of 5 consecutive T bases (chrX:101,370,000-101,370,004); deleting any one gives the same sequence. VCF-style (leftmost placement, unchanged base first): chrX-101369999-GT-G. GRCh37 (hg19) VCF-style: chrX-100624987-GT-G.
Other names: c.491del, p.Asn164fs (NM_001287344.2); c.389del, p.Asn130fs (NM_001287345.2); short protein forms N130fs, N164fs.
Identifiers: ClinVar variation 11357 (VCV000011357.3), dbSNP rs864321664, ClinGen allele CA341088.

ClinVar aggregate classification (germline): Pathogenic. Review status: criteria provided, single submitter (1 of 4 stars). 2 submissions from 2 submitters: Pathogenic (1). 1 of the submissions does not count toward it. Last evaluated 2024-06-26.

Conditions:
X-linked agammaglobulinemia (XLA). Also called: Agammaglobulinemia, Bruton tyrosine kinase; Agammaglobulinemia, BTK; BTK-deficiency; IMMUNODEFICIENCY 1; Bruton's agammaglobulinemia; AGAMMAGLOBULINEMIA, X-LINKED, TYPE 1. Identifiers: Orphanet 229717, Orphanet 47, MedGen C0221026, MONDO:0010421, OMIM 300755.
X-linked agammaglobulinemia with growth hormone deficiency (IGHD3). Also called: ISOLATED GROWTH HORMONE DEFICIENCY, TYPE III, WITH AGAMMAGLOBULINEMIA; AGAMMAGLOBULINEMIA AND ISOLATED GROWTH HORMONE DEFICIENCY, X-LINKED; FLEISHER SYNDROME; HYPOGAMMAGLOBULINEMIA AND ISOLATED GROWTH HORMONE DEFICIENCY, X-LINKED; IGHD III; Isolated growth hormone deficiency type 3. Identifiers: Orphanet 231692, Orphanet 631, MedGen C0472813, MONDO:0010615, OMIM 307200.

Submissions (2):

Labcorp Genetics (formerly Invitae), Labcorp
Classification: Pathogenic for X-linked agammaglobulinemia with growth hormone deficiency. Last evaluated: 2024-06-26. Review status: criteria provided, single submitter. Criteria: Invitae Variant Classification Sherloc (09022015). Collection method: clinical testing. Allele origin: germline.
Comment: This sequence change creates a premature translational stop signal (p.Asn130Thrfs*2) in the BTK gene. It is expected to result in an absent or disrupted protein product. Loss-of-function variants in BTK are known to be pathogenic (PMID: 15661032, 16862044, 19419768). This variant is not present in population databases (gnomAD no frequency). This premature translational stop signal has been observed in individual(s) with X-linked agammaglobulinemia (PMID: 7849697). ClinVar contains an entry for this variant (Variation ID: 11357). For these reasons, this variant has been classified as Pathogenic.

OMIM
Classification: Pathogenic for AGAMMAGLOBULINEMIA, X-LINKED. Last evaluated: 1994-10-01. Review status: no assertion criteria provided. Collection method: literature only. Allele origin: germline. Not counted in ClinVar's aggregate classification.

Literature cited by the submitters: PubMed 15661032 (cited by Labcorp Genetics (formerly Invitae), Labcorp); PubMed 16862044 (cited by Labcorp Genetics (formerly Invitae), Labcorp); PubMed 19419768 (cited by Labcorp Genetics (formerly Invitae), Labcorp); PubMed 7849697 (cited by Labcorp Genetics (formerly Invitae), Labcorp and OMIM).